The following is an entry in ClinVar:

NM_001378454.1(ALMS1):c.8490T>A (p.Cys2830Ter)

Gene: ALMS1 (ALMS1 centrosome and basal body associated protein; plus strand). Cytogenetic location: 2p13.1.
Variant type: single nucleotide variant.
Coding change: c.8490T>A on transcript NM_001378454.1 (MANE Select); coding-DNA position 8490, T replaced by A.
Protein change: p.Cys2830Ter; replaces cysteine 2830 with a stop codon.
Molecular consequence: nonsense.
Genome position (GRCh38, 1-based): chr2:73,490,449, T>A. VCF-style: chr2-73490449-T-A. GRCh37 (hg19) VCF-style: chr2-73717576-T-A.
Other names: c.8493T>A, p.Cys2831Ter (NM_015120.4); short protein forms C2830*, C2831*.
Identifiers: ClinVar variation 1724576 (VCV001724576.2), dbSNP rs745337805, ClinGen allele CA347269109.

ClinVar aggregate classification (germline): Likely pathogenic (1 of 4 stars; one submission).

Conditions:
Alstrom syndrome (ALMS). Identifiers: Orphanet 64, MedGen C0268425, MONDO:0008763, OMIM 203800.

Submission:

Myriad Genetics, Inc.
Classification: Likely pathogenic for Alstrom syndrome. Last evaluated: 2022-02-20. Review status: criteria provided, single submitter. Criteria: Myriad Women's Health Autosomal Recessive and X-Linked Classification Criteria (2021). Collection method: clinical testing. Allele origin: unknown.
Comment: NM_015120.4(ALMS1):c.8493T>A(C2831*) is expected to be pathogenic in the context of Alstrom syndrome. This variant is predicted to lead to an abnormal or absent protein product due to the creation of a premature termination codon in ALMS1, a gene where loss-of-function variants are known to be pathogenic. Please note: this variant was assessed in the context of healthy population screening.